The following is an entry in ClinVar:

ClinVar aggregate classification (germline): Benign/Likely benign. Review status: criteria provided, multiple submitters, no conflicts (2 of 4 stars). 6 submissions from 6 submitters: Benign (2); Likely benign (3). 1 of the submissions does not count toward it. Last evaluated 2026-01-28.

Conditions:
ADGRV1-related disorder. Also called: ADGRV1-related condition; ADGRV1-related disorders.
Usher syndrome type 2C. Also called: Usher syndrome, type 2B; USHER SYNDROME, TYPE IIC. Identifiers: Orphanet 231178, Orphanet 886, MedGen C2931213, MONDO:0011558, OMIM 605472.

Allele frequency attached by ClinVar (database versions not stated): TOPMed 0.00011; 1000 Genomes Project 30x 0.00047; 1000 Genomes Project 0.00060; ExAC 0.00182.
gnomAD v4.1: 482 of 1,359,682 alleles (0.035%); highest among the groups gnomAD compares: East Asian, 1.1%; 6 homozygotes.

Submissions (6):

Labcorp Genetics (formerly Invitae), Labcorp
Classification: Benign. Last evaluated: 2026-01-28. Review status: criteria provided, single submitter. Criteria: Invitae Variant Classification Sherloc (09022015). Collection method: clinical testing. Allele origin: germline.

Blueprint Genetics
Classification: Likely benign. Last evaluated: 2024-08-27. Review status: criteria provided, single submitter. Criteria: ACMG Guidelines, 2015. Collection method: clinical testing. Allele origin: germline.

Illumina Laboratory Services, Illumina
Classification: Likely benign for Usher syndrome type 2C. Last evaluated: 2018-01-13. Review status: criteria provided, single submitter. Criteria: ICSL Variant Classification Criteria 13 December 2019. Collection method: clinical testing. Allele origin: germline.
Comment: This variant was observed in the ICSL laboratory as part of a predisposition screen in an ostensibly healthy population. It had not been previously curated by ICSL or reported in the Human Gene Mutation Database (HGMD: prior to June 1st, 2018), and was therefore a candidate for classification through an automated scoring system. Utilizing variant allele frequency, disease prevalence and penetrance estimates, and inheritance mode, an automated score was calculated to assess if this variant is too frequent to cause the disease. Based on the score and internal cut-off values, a variant classified as likely benign is not then subjected to further curation. The score for this variant resulted in a classification of likely benign for this disease.

GeneDx
Classification: Likely benign. Last evaluated: 2018-01-08. Review status: criteria provided, single submitter. Criteria: GeneDx Variant Classification (06012015). Collection method: clinical testing. Allele origin: germline. Affected: yes.
Comment: This variant is considered likely benign or benign based on one or more of the following criteria: it is a conservative change, it occurs at a poorly conserved position in the protein, it is predicted to be benign by multiple in silico algorithms, and/or has population frequency not consistent with disease.

Laboratory for Molecular Medicine, Mass General Brigham Personalized Medicine
Classification: Benign. Last evaluated: 2015-05-07. Review status: criteria provided, single submitter. Criteria: LMM Criteria. Collection method: clinical testing. Allele origin: germline. Observed: 1 variant allele.
Comment: c.18803-4G>T in intron 89 of GPR98: This variant is not expected to have clinica l significance because it is not located within the splice consensus sequence. I t has been identified in 2.6% (54/2106) of East Asian chromosomes by the Exome A ggregation Consortium (ExAC; dbSNP rs80335659).

PreventionGenetics, part of Exact Sciences
Classification: Likely benign for ADGRV1-related condition. Last evaluated: 2020-07-29. Review status: no assertion criteria provided. Collection method: clinical testing. Allele origin: germline. Not counted in ClinVar's aggregate classification.
Comment: This variant is classified as likely benign based on ACMG/AMP sequence variant interpretation guidelines (Richards et al. 2015 PMID: 25741868, with internal and published modifications).

NM_032119.4(ADGRV1):c.18803-4G>T

Gene: ADGRV1 (adhesion G protein-coupled receptor V1; plus strand). Cytogenetic location: 5q14.3.
Variant type: single nucleotide variant.
Coding change: c.18803-4G>T on transcript NM_032119.4 (MANE Select); 4 bases into the intron before coding-DNA position 18803, G replaced by T.
Molecular consequence: intron variant.
Genome position (GRCh38, 1-based): chr5:91,163,778, G>T. VCF-style: chr5-91163778-G-T. GRCh37 (hg19) VCF-style: chr5-90459595-G-T.
Identifiers: ClinVar variation 226646 (VCV000226646.21), dbSNP rs80335659, ClinGen allele CA3342750.